The following is an entry in ClinVar:

ClinVar aggregate classification (germline): Uncertain significance (1 of 4 stars; one submission).

Allele frequency attached by ClinVar (database versions not stated): gnomAD exomes below 0.00001; TOPMed 0.00001.
gnomAD v4.1: 1 of 1,608,202 alleles (0.000062%); highest among the groups gnomAD compares: African/African-American, 0.0013%; no homozygotes.

Submission:

Labcorp Genetics (formerly Invitae), Labcorp
Classification: Uncertain significance. Last evaluated: 2022-10-10. Review status: criteria provided, single submitter. Criteria: Invitae Variant Classification Sherloc (09022015). Collection method: clinical testing. Allele origin: germline.
Comment: In summary, the available evidence is currently insufficient to determine the role of this variant in disease. Therefore, it has been classified as a Variant of Uncertain Significance. Variants that disrupt the consensus splice site are a relatively common cause of aberrant splicing (PMID: 17576681, 9536098). Algorithms developed to predict the effect of sequence changes on RNA splicing suggest that this variant may disrupt the consensus splice site. This variant has not been reported in the literature in individuals affected with CLUAP1-related conditions. This variant is not present in population databases (gnomAD no frequency). This sequence change falls in intron 5 of the CLUAP1 gene. It does not directly change the encoded amino acid sequence of the CLUAP1 protein. It affects a nucleotide within the consensus splice site.

Literature cited by the submitters: PubMed 17576681; PubMed 9536098.

NM_015041.3(CLUAP1):c.495+3A>C

Gene: CLUAP1 (clusterin associated protein 1; plus strand). Cytogenetic location: 16p13.3.
Variant type: single nucleotide variant.
Coding change: c.495+3A>C on transcript NM_015041.3 (MANE Select); 3 bases into the intron after coding-DNA position 495, A replaced by C.
Molecular consequence: intron variant.
Genome position (GRCh38, 1-based): chr16:3,512,481, A>C. VCF-style: chr16-3512481-A-C. GRCh37 (hg19) VCF-style: chr16-3562481-A-C.
Other names: c.495+3A>C (NM_001330454.2); c.-4+2512A>C (NM_024793.3).
Identifiers: ClinVar variation 2028646 (VCV002028646.4), dbSNP rs2037648629, ClinGen allele CA2202805246.